The following is an entry in ClinVar:

NM_175737.4(KLB):c.2648T>C (p.Met883Thr)

Gene: KLB (klotho beta; plus strand). Cytogenetic location: 4p14.
Variant type: single nucleotide variant.
Coding change: c.2648T>C on transcript NM_175737.4 (MANE Select); coding-DNA position 2648, T replaced by C.
Protein change: p.Met883Thr; replaces methionine 883 with threonine.
Molecular consequence: missense variant.
Genome position (GRCh38, 1-based): chr4:39,447,374, T>C. VCF-style: chr4-39447374-T-C. GRCh37 (hg19) VCF-style: chr4-39448994-T-C.
Other names: short protein forms M883T.
Identifiers: ClinVar variation 1491360 (VCV001491360.8), dbSNP rs764897680, ClinGen allele CA2894051.
Genomic context (GRCh38, chr4:39,447,374, plus strand): 5'-CTGTGATTCCCTGGGGGGTGCGCAAGCTGCTGCGGTGGGTCCGGAGGAACTACGGCGACA[T>C]GGACATTTACATCACCGCCAGTGGCATCGACGACCAGGCTCTGGAGGATGACCGGCTCCG-3'
Protein context (NP_783864.1, residues 873-893): LRWVRRNYGD[Met883Thr]DIYITASGID

ClinVar aggregate classification (germline): Uncertain significance (1 of 4 stars; one submission).

Allele frequency attached by ClinVar (database versions not stated): gnomAD exomes below 0.00001; ExAC 0.00001; gnomAD 0.00001; TOPMed 0.00002.
gnomAD v4.1: 4 of 1,613,612 alleles (0.00025%); highest among the groups gnomAD compares: Non-Finnish European, 0.00034%; no homozygotes.

Submission:

Labcorp Genetics (formerly Invitae), Labcorp
Classification: Uncertain significance. Last evaluated: 2021-06-24. Review status: criteria provided, single submitter. Criteria: Invitae Variant Classification Sherloc (09022015). Collection method: clinical testing. Allele origin: germline.
Comment: This sequence change replaces methionine with threonine at codon 883 of the KLB protein (p.Met883Thr). The methionine residue is weakly conserved and there is a moderate physicochemical difference between methionine and threonine. This variant is present in population databases (rs764897680, ExAC 0.002%). In summary, the available evidence is currently insufficient to determine the role of this variant in disease. Therefore, it has been classified as a Variant of Uncertain Significance. Algorithms developed to predict the effect of missense changes on protein structure and function (SIFT, PolyPhen-2, Align-GVGD) all suggest that this variant is likely to be tolerated. This variant has not been reported in the literature in individuals affected with KLB-related conditions.